The following is an entry in ClinVar:

NR_003051.4(RMRP):n.87C>T

Gene: RMRP (RNA component of mitochondrial RNA processing endoribonuclease; minus strand). Cytogenetic location: 9p13.3.
Variant type: single nucleotide variant.
Genome position: GRCh38 VCF-style: chr9-35657933-G-A. GRCh37 (hg19) VCF-style: chr9-35657930-G-A.
Identifiers: ClinVar variation 1060000 (VCV001060000.8), dbSNP rs545284014, ClinGen allele CA192745655.

ClinVar aggregate classification (germline): Uncertain significance. Review status: criteria provided, multiple submitters, no conflicts (2 of 4 stars). 3 submissions from 3 submitters: Uncertain significance (2). 1 of the submissions does not count toward it. Last evaluated 2023-06-29.

Conditions:
Anauxetic dysplasia. Identifiers: Orphanet 93347, MedGen C1846796, MONDO:0011773.
Metaphyseal chondrodysplasia, McKusick type (CHH). Also called: Cartilage-Hair Hypoplasia (CHH); Cartilage-hair hypoplasia. Identifiers: Orphanet 175, MedGen C0220748, MONDO:0009595, OMIM 250250.

Allele frequency attached by ClinVar (database versions not stated): 1000 Genomes Project 0.00020; 1000 Genomes Project 30x 0.00031.
gnomAD v4.1: 6 of 700,456 alleles (0.00086%); highest among the groups gnomAD compares: South Asian, 0.0044%; no homozygotes.

Submissions (3):

Women's Health and Genetics/Laboratory Corporation of America, LabCorp
Classification: Uncertain significance. Last evaluated: 2023-06-29. Review status: criteria provided, single submitter. Criteria: LabCorp Variant Classification Summary - May 2015. Collection method: clinical testing. Allele origin: germline.
Comment: Variant summary: RMRP n.86C>T alters a nucleotide in the non-coding RNA. The variant allele was found at a frequency of 7.7e-06 in 130492 control chromosomes (gnomAD). The available data on variant occurrences in the general population are insufficient to allow any conclusion about variant significance. To our knowledge, no occurrence of n.86C>T in individuals affected with Cartilage-Hair Hypoplasia and no experimental evidence demonstrating its impact on protein function have been reported. Two submitters have cited clinical-significance assessments for this variant to ClinVar after 2014. All submitters classified the variant as uncertain significance. Based on the evidence outlined above, the variant was classified as uncertain significance.

Labcorp Genetics (formerly Invitae), Labcorp
Classification: Uncertain significance for Anauxetic dysplasia. Last evaluated: 2021-08-20. Review status: criteria provided, single submitter. Criteria: Invitae Variant Classification Sherloc (09022015). Collection method: clinical testing. Allele origin: germline.
Comment: This variant occurs in the RMRP gene, which encodes an RNA molecule that does not result in a protein product. The frequency data for this variant in the population databases is considered unreliable, as metrics indicate insufficient coverage at this position in the ExAC database. This variant has not been reported in the literature in individuals affected with RMRP-related conditions. Experimental studies and prediction algorithms are not available or were not evaluated, and the functional significance of this variant is currently unknown. In summary, the available evidence is currently insufficient to determine the role of this variant in disease. Therefore, it has been classified as a Variant of Uncertain Significance.

Natera, Inc.
Classification: Uncertain significance for Cartilage-hair hypoplasia. Last evaluated: 2020-09-09. Review status: no assertion criteria provided. Collection method: clinical testing. Allele origin: germline. Not counted in ClinVar's aggregate classification.